The following is an entry in ClinVar:

ClinVar aggregate classification (germline): Uncertain significance (1 of 4 stars; one submission).

Allele frequency attached by ClinVar (database versions not stated): gnomAD exomes below 0.00001.

Submission:

Labcorp Genetics (formerly Invitae), Labcorp
Classification: Uncertain significance. Last evaluated: 2023-08-04. Review status: criteria provided, single submitter. Criteria: Invitae Variant Classification Sherloc (09022015). Collection method: clinical testing. Allele origin: germline.
Comment: This sequence change replaces alanine, which is neutral and non-polar, with valine, which is neutral and non-polar, at codon 33 of the BRD4 protein (p.Ala33Val). This variant is not present in population databases (gnomAD no frequency). This variant has not been reported in the literature in individuals affected with BRD4-related conditions. ClinVar contains an entry for this variant (Variation ID: 2032182). Experimental studies and prediction algorithms are not available or were not evaluated, and the functional significance of this variant is currently unknown. In summary, the available evidence is currently insufficient to determine the role of this variant in disease. Therefore, it has been classified as a Variant of Uncertain Significance.

NM_001379291.1(BRD4):c.98C>T (p.Ala33Val)

Gene: BRD4 (bromodomain containing 4; minus strand). Cytogenetic location: 19p13.12.
Variant type: single nucleotide variant.
Coding change: c.98C>T on transcript NM_001379291.1 (MANE Select); coding-DNA position 98, C replaced by T.
Protein change: p.Ala33Val; replaces alanine 33 with valine.
Molecular consequence: missense variant.
Genome position (GRCh38, 1-based): chr19:15,273,002, G>A on the plus strand (C>T on the coding strand, the complement: BRD4 is on the minus strand). VCF-style: chr19-15273002-G-A. GRCh37 (hg19) VCF-style: chr19-15383813-G-A.
Other names: c.98C>T, p.Ala33Val (NM_001330384.2, NM_001379292.1, NM_014299.3 and 1 more transcripts); short protein forms A33V.
Identifiers: ClinVar variation 2032182 (VCV002032182.4), dbSNP rs201539391, ClinGen allele CA305783232.